The following is an entry in ClinVar:

ClinVar aggregate classification (germline): Uncertain significance. Review status: criteria provided, multiple submitters, no conflicts (2 of 4 stars). 2 submissions from 2 submitters: Uncertain significance (2). Last evaluated 2024-05-28.

Conditions:
Inborn genetic diseases. Identifiers: MedGen C0950123, MeSH D030342.

Allele frequency attached by ClinVar (database versions not stated): gnomAD exomes 0.00001; ExAC 0.00002; gnomAD 0.00013; TOPMed 0.00013; ESP Exome Variant Server 0.00015.
gnomAD v4.1: 39 of 1,612,800 alleles (0.0024%); highest among the groups gnomAD compares: African/African-American, 0.045%; no homozygotes.

Submissions (2):

Ambry Genetics
Classification: Uncertain significance for Inborn genetic diseases. Last evaluated: 2024-05-28. Review status: criteria provided, single submitter. Criteria: Ambry Variant Classification Scheme 2023. Collection method: clinical testing. Allele origin: germline.

Labcorp Genetics (formerly Invitae), Labcorp
Classification: Uncertain significance. Last evaluated: 2022-08-22. Review status: criteria provided, single submitter. Criteria: Invitae Variant Classification Sherloc (09022015). Collection method: clinical testing. Allele origin: germline.
Comment: This sequence change replaces alanine, which is neutral and non-polar, with valine, which is neutral and non-polar, at codon 482 of the FLVCR2 protein (p.Ala482Val). This variant is present in population databases (rs111665819, gnomAD 0.04%). This variant has not been reported in the literature in individuals affected with FLVCR2-related conditions. Algorithms developed to predict the effect of missense changes on protein structure and function output the following: SIFT: "Tolerated"; PolyPhen-2: "Benign"; Align-GVGD: "Class C0". The valine amino acid residue is found in multiple mammalian species, which suggests that this missense change does not adversely affect protein function. In summary, the available evidence is currently insufficient to determine the role of this variant in disease. Therefore, it has been classified as a Variant of Uncertain Significance.

NM_017791.3(FLVCR2):c.1445C>T (p.Ala482Val)

Gene: FLVCR2 (FLVCR choline and putative heme transporter 2; plus strand). Cytogenetic location: 14q24.3.
Variant type: single nucleotide variant.
Coding change: c.1445C>T on transcript NM_017791.3 (MANE Select); coding-DNA position 1445, C replaced by T.
Protein change: p.Ala482Val; replaces alanine 482 with valine.
Molecular consequence: missense variant.
Genome position (GRCh38, 1-based): chr14:75,641,285, C>T. VCF-style: chr14-75641285-C-T. GRCh37 (hg19) VCF-style: chr14-76107628-C-T.
Other names: c.830C>T, p.Ala277Val (NM_001195283.2); c.1445C>T (NM_017791.2); short protein forms A277V, A482V.
Identifiers: ClinVar variation 2183128 (VCV002183128.2), dbSNP rs111665819, ClinGen allele CA7278554.
Genomic context (GRCh38, chr14:75,641,285, plus strand): 5'-ACAACTATGGAACCAAGCCTGGGAACATCTTCCTGTGTGTGTTCCTTACTCTTGGAGCAG[C>T]CCTCACTGGTGAGTTGGAGCCTGAGGGCAAGATGAGGCTCAGGTTGGCCATTTGGGACCC-3'
Protein context (NP_060261.2, residues 472-492): FLCVFLTLGA[Ala482Val]LTAFIKADLR